The following is an entry in ClinVar:

NM_000046.5(ARSB):c.501A>G (p.Gly167=)

Gene: ARSB (arylsulfatase B; minus strand). Cytogenetic location: 5q14.1.
Variant type: single nucleotide variant.
Coding change: c.501A>G on transcript NM_000046.5 (MANE Select); coding-DNA position 501, A replaced by G.
Protein change: p.Gly167=; no amino-acid change (glycine 167 retained).
Molecular consequence: synonymous variant.
Genome position (GRCh38, 1-based): chr5:78,964,605, T>C on the plus strand (A>G on the coding strand, the complement: ARSB is on the minus strand). VCF-style: chr5-78964605-T-C. GRCh37 (hg19) VCF-style: chr5-78260428-T-C.
Other names: c.501A>G, p.Gly167= (NM_198709.3); c.501A>G (NM_000046.3).
Identifiers: ClinVar variation 1419156 (VCV001419156.7), dbSNP rs774949257, ClinGen allele CA3318240.

ClinVar aggregate classification (germline): Likely benign. Review status: criteria provided, multiple submitters, no conflicts (2 of 4 stars). 2 submissions from 2 submitters: Likely benign (2). Last evaluated 2025-12-26.

Conditions:
Mucopolysaccharidosis type 6 (MPS6). Also called: ARSB DEFICIENCY; ARYLSULFATASE B DEFICIENCY; MPS 6; Maroteaux Lamy syndrome; N-ACETYLGALACTOSAMINE-4-SULFATASE DEFICIENCY; MPS VI. Identifiers: Orphanet 583, MedGen C0026709, MONDO:0009661, OMIM 253200.
ARSB-related disorder. Also called: ARSB-related condition.

Allele frequency attached by ClinVar (database versions not stated): TOPMed 0.00001; ExAC 0.00003; gnomAD 0.00003; gnomAD exomes 0.00003.
gnomAD v4.1: 19 of 1,613,044 alleles (0.0012%); highest among the groups gnomAD compares: East Asian, 0.0045%; no homozygotes.

Submissions (2):

PreventionGenetics, part of Exact Sciences
Classification: Likely benign for ARSB-related condition. Last evaluated: 2025-12-26. Review status: criteria provided, single submitter. Criteria: ACMG Guidelines, 2015. Collection method: clinical testing. Allele origin: germline.
Comment: This variant is classified as likely benign based on ACMG/AMP sequence variant interpretation guidelines (Richards et al. 2015 PMID: 25741868, with internal and published modifications).

Labcorp Genetics (formerly Invitae), Labcorp
Classification: Likely benign for Mucopolysaccharidosis type 6. Last evaluated: 2025-03-30. Review status: criteria provided, single submitter. Criteria: Invitae Variant Classification Sherloc (09022015). Collection method: clinical testing. Allele origin: germline.